The following is an entry in ClinVar:

ClinVar aggregate classification (germline): Uncertain significance. Review status: criteria provided, multiple submitters, no conflicts (2 of 4 stars). 3 submissions from 3 submitters: Uncertain significance (3). Last evaluated 2026-04-03.

Conditions:
Episodic ataxia type 2 (EA2). Also called: ATAXIA, EPISODIC, WITH NYSTAGMUS; ATAXIA, FAMILIAL PAROXYSMAL; CEREBELLAR ATAXIA, PAROXYSMAL, ACETAZOLAMIDE-RESPONSIVE; CEREBELLOPATHY, HEREDITARY PAROXYSMAL; ACETAZOLAMIDE-RESPONSIVE HEREDITARY PAROXYSMAL CEREBELLAR ATAXIA; EPISODIC ATAXIA, NYSTAGMUS-ASSOCIATED. Identifiers: Orphanet 97, MedGen C1720416, MONDO:0007163, OMIM 108500.
Developmental and epileptic encephalopathy, 42 (DEE42A). Also called: Epileptic encephalopathy, early infantile, 42; DEVELOPMENTAL AND EPILEPTIC ENCEPHALOPATHY 42A; EPILEPTIC ENCEPHALOPATHY, EARLY INFANTILE, 42A. Identifiers: MedGen C4310716, MONDO:0014917, OMIM 617106.
Inborn genetic diseases. Identifiers: MedGen C0950123, MeSH D030342.

Allele frequency attached by ClinVar (database versions not stated): ExAC 0.00001; gnomAD 0.00001; gnomAD exomes 0.00001; TOPMed 0.00002; ESP Exome Variant Server 0.00008.
gnomAD v4.1: 14 of 1,613,862 alleles (0.00087%); highest among the groups gnomAD compares: Non-Finnish European, 0.001%; no homozygotes.

Submissions (3):

Ambry Genetics
Classification: Uncertain significance for Inborn genetic diseases. Last evaluated: 2026-04-03. Review status: criteria provided, single submitter. Criteria: Ambry Variant Classification Scheme 2023. Collection method: clinical testing. Allele origin: germline.
Comment: The c.5804C>G (p.S1935C) alteration is located in exon 39 (coding exon 39) of the CACNA1A gene. This alteration results from a C to G substitution at nucleotide position 5804, causing the serine (S) at amino acid position 1935 to be replaced by a cysteine (C). Based on data from gnomAD, the G allele has an overall frequency of 0.001% (3/249162) total alleles studied. The highest observed frequency was 0.003% (3/112972) of European (non-Finnish) alleles. Based on insufficient or conflicting evidence, the clinical significance of this alteration remains unclear.

Labcorp Genetics (formerly Invitae), Labcorp
Classification: Uncertain significance for Developmental and epileptic encephalopathy, 42; Episodic ataxia type 2. Last evaluated: 2025-06-10. Review status: criteria provided, single submitter. Criteria: Invitae Variant Classification Sherloc (09022015). Collection method: clinical testing. Allele origin: germline.
Comment: This sequence change replaces serine, which is neutral and polar, with cysteine, which is neutral and slightly polar, at codon 1935 of the CACNA1A protein (p.Ser1935Cys). This variant is present in population databases (rs375365071, gnomAD 0.003%). This variant has not been reported in the literature in individuals affected with CACNA1A-related conditions. ClinVar contains an entry for this variant (Variation ID: 944728). Invitae Evidence Modeling of protein sequence and biophysical properties (such as structural, functional, and spatial information, amino acid conservation, physicochemical variation, residue mobility, and thermodynamic stability) has been performed for this missense variant. However, the output from this modeling did not meet the statistical confidence thresholds required to predict the impact of this variant on CACNA1A protein function. In summary, the available evidence is currently insufficient to determine the role of this variant in disease. Therefore, it has been classified as a Variant of Uncertain Significance.

Blueprint Genetics
Classification: Uncertain significance. Last evaluated: 2019-11-19. Review status: criteria provided, single submitter. Criteria: ACMG Guidelines, 2015. Collection method: clinical testing. Allele origin: germline.

NM_001127222.2(CACNA1A):c.5801C>G (p.Ser1934Cys)

Gene: CACNA1A (calcium voltage-gated channel subunit alpha1 A; minus strand). Cytogenetic location: 19p13.13.
Variant type: single nucleotide variant.
Coding change: c.5801C>G on transcript NM_001127222.2 (MANE Select); coding-DNA position 5801, C replaced by G.
Protein change: p.Ser1934Cys; replaces serine 1934 with cysteine.
Molecular consequence: missense variant.
Genome position (GRCh38, 1-based): chr19:13,214,539, G>C on the plus strand (C>G on the coding strand, the complement: CACNA1A is on the minus strand). VCF-style: chr19-13214539-G-C. GRCh37 (hg19) VCF-style: chr19-13325353-G-C.
Other names: c.5819C>G, p.Ser1940Cys (NM_000068.4, NM_023035.3); c.5804C>G, p.Ser1935Cys (NM_001127221.2); c.5810C>G, p.Ser1937Cys (NM_001174080.2); short protein forms S1934C, S1935C, S1937C, S1940C.
Identifiers: ClinVar variation 944728 (VCV000944728.12), dbSNP rs375365071, ClinGen allele CA9239586.